The following is an entry in ClinVar:

NM_006031.6(PCNT):c.8988C>T (p.Ala2996=)

Gene: PCNT (pericentrin; plus strand). Cytogenetic location: 21q22.3.
Variant type: single nucleotide variant.
Coding change: c.8988C>T on transcript NM_006031.6 (MANE Select); coding-DNA position 8988, C replaced by T.
Protein change: p.Ala2996=; no amino-acid change (alanine 2996 retained).
Molecular consequence: synonymous variant.
Genome position (GRCh38, 1-based): chr21:46,436,140, C>T. VCF-style: chr21-46436140-C-T. GRCh37 (hg19) VCF-style: chr21-47856053-C-T.
Other names: c.8397C>T, p.Ala2799= (NM_001315529.2).
Identifiers: ClinVar variation 95344 (VCV000095344.23), dbSNP rs61735826, ClinGen allele CA148455.

ClinVar aggregate classification (germline): Benign. Review status: criteria provided, multiple submitters, no conflicts (2 of 4 stars). 6 submissions from 6 submitters: Benign (6). Last evaluated 2026-02-04.

Conditions:
Microcephalic osteodysplastic primordial dwarfism type II (MOPD2). Also called: Microcephalic osteodysplastic primordial dwarfism with tooth abnormalities; MOPD II; OSTEODYSPLASTIC PRIMORDIAL DWARFISM, TYPE II. Identifiers: Orphanet 2637, MedGen C0432246, MONDO:0008872, OMIM 210720.

Allele frequency attached by ClinVar (database versions not stated): 1000 Genomes Project 0.01098; 1000 Genomes Project 30x 0.01156; gnomAD 0.02642; TOPMed 0.02688; ESP Exome Variant Server 0.02806.
gnomAD v4.1: 56,190 of 1,607,646 alleles (3.5%); highest among the groups gnomAD compares: Non-Finnish European, 4.1%; 1,175 homozygotes.

Submissions (6):

Labcorp Genetics (formerly Invitae), Labcorp
Classification: Benign. Last evaluated: 2026-02-04. Review status: criteria provided, single submitter. Criteria: Invitae Variant Classification Sherloc (09022015). Collection method: clinical testing. Allele origin: germline.

Illumina Laboratory Services, Illumina
Classification: Benign for Microcephalic osteodysplastic primordial dwarfism type II. Last evaluated: 2018-01-13. Review status: criteria provided, single submitter. Criteria: ICSL Variant Classification Criteria 13 December 2019. Collection method: clinical testing. Allele origin: germline.
Comment: This variant was observed in the ICSL laboratory as part of a predisposition screen in an ostensibly healthy population. It had not been previously curated by ICSL or reported in the Human Gene Mutation Database (HGMD: prior to June 1st, 2018), and was therefore a candidate for classification through an automated scoring system. Utilizing variant allele frequency, disease prevalence and penetrance estimates, and inheritance mode, an automated score was calculated to assess if this variant is too frequent to cause the disease. Based on the score and internal cut-off values, a variant classified as benign is not then subjected to further curation. The score for this variant resulted in a classification of benign for this disease.

GeneDx
Classification: Benign. Last evaluated: 2015-03-03. Review status: criteria provided, single submitter. Criteria: GeneDx Variant Classification Process June 2021. Collection method: clinical testing. Allele origin: germline. Affected: yes.

Eurofins Ntd Llc (ga)
Classification: Benign. Last evaluated: 2013-11-12. Review status: criteria provided, single submitter. Criteria: EGL Classification Definitions 2015. Collection method: clinical testing. Allele origin: germline. Observed: 2 variant alleles, 2 heterozygotes.

Genetic Services Laboratory, University of Chicago
Classification: Benign. Last evaluated: 2013-02-08. Review status: criteria provided, single submitter. Criteria: ACMG Guidelines, 2007. Collection method: clinical testing. Allele origin: germline. Inheritance: Autosomal recessive inheritance.

Breakthrough Genomics
Classification: Benign. Review status: criteria provided, single submitter. Criteria: ACMG Guidelines, 2015. Collection method: not provided. Allele origin: germline. Inheritance: Autosomal recessive inheritance. Affected: yes.